The following is an entry in ClinVar:

NM_198578.4(LRRK2):c.7062C>T (p.Ile2354=)

Gene: LRRK2 (leucine rich repeat kinase 2; plus strand). Cytogenetic location: 12q12.
Variant type: single nucleotide variant.
Coding change: c.7062C>T on transcript NM_198578.4 (MANE Select); coding-DNA position 7062, C replaced by T.
Protein change: p.Ile2354=; no amino-acid change (isoleucine 2354 retained).
Molecular consequence: synonymous variant.
Genome position (GRCh38, 1-based): chr12:40,363,435, C>T. VCF-style: chr12-40363435-C-T. GRCh37 (hg19) VCF-style: chr12-40757237-C-T.
Identifiers: ClinVar variation 308646 (VCV000308646.15), dbSNP rs768811495, ClinGen allele CA6514843.
Genomic context (GRCh38, chr12:40,363,435, plus strand): 5'-TGACTTTCTATTTTTTTTTCTCTGTAGGTTTTCTTATGCAGCTTTCAGTGATTCCAACAT[C>T]ATAACAGTGGTGGTAGACACTGCTCTCTATATTGCTAAGCAAAATAGCCCTGTTGTGGAA-3'
Protein context (NP_940980.4, residues 2344-2364): FSYAAFSDSN[Ile2354=]ITVVVDTALY

ClinVar aggregate classification (germline): Likely benign. Review status: criteria provided, multiple submitters, no conflicts (2 of 4 stars). 3 submissions from 3 submitters: Likely benign (3). Last evaluated 2025-11-25.

Conditions:
Autosomal dominant Parkinson disease 8. Also called: Parkinson disease 8, susceptibility to; LRRK2-Related Parkinson Disease; Parkinson disease 8. Identifiers: Orphanet 411602, MedGen C1846862, MONDO:0011764, OMIM 607060.
Inborn genetic diseases. Identifiers: MedGen C0950123, MeSH D030342.

Allele frequency attached by ClinVar (database versions not stated): gnomAD 0.00003; gnomAD exomes 0.00003; ExAC 0.00002; TOPMed 0.00002.
gnomAD v4.1: 21 of 1,611,728 alleles (0.0013%); highest among the groups gnomAD compares: Admixed American, 0.015%; no homozygotes.

Submissions (3):

Labcorp Genetics (formerly Invitae), Labcorp
Classification: Likely benign for Autosomal dominant Parkinson disease 8. Last evaluated: 2025-11-25. Review status: criteria provided, single submitter. Criteria: Invitae Variant Classification Sherloc (09022015). Collection method: clinical testing. Allele origin: germline.

Ambry Genetics
Classification: Likely benign for Inborn genetic diseases. Last evaluated: 2022-03-19. Review status: criteria provided, single submitter. Criteria: Ambry Variant Classification Scheme 2023. Collection method: clinical testing. Allele origin: germline.

Illumina Laboratory Services, Illumina
Classification: Likely benign for Autosomal dominant Parkinson disease 8. Last evaluated: 2018-01-13. Review status: criteria provided, single submitter. Criteria: ICSL Variant Classification Criteria 13 December 2019. Collection method: clinical testing. Allele origin: germline.
Comment: This variant was observed in the ICSL laboratory as part of a predisposition screen in an ostensibly healthy population. It had not been previously curated by ICSL or reported in the Human Gene Mutation Database (HGMD: prior to June 1st, 2018), and was therefore a candidate for classification through an automated scoring system. Utilizing variant allele frequency, disease prevalence and penetrance estimates, and inheritance mode, an automated score was calculated to assess if this variant is too frequent to cause the disease. Based on the score and internal cut-off values, a variant classified as likely benign is not then subjected to further curation. The score for this variant resulted in a classification of likely benign for this disease.